The following is an entry in ClinVar:

ClinVar aggregate classification (germline): Uncertain significance (1 of 4 stars; one submission).

Conditions:
Werner syndrome (WRN). Identifiers: Orphanet 902, MedGen C0043119, MONDO:0010196, OMIM 277700.

gnomAD v4.1: 1 of 1,614,126 alleles (0.000062%); no homozygotes.

Submission:

Labcorp Genetics (formerly Invitae), Labcorp
Classification: Uncertain significance for Werner syndrome. Last evaluated: 2022-12-19. Review status: criteria provided, single submitter. Criteria: Invitae Variant Classification Sherloc (09022015). Collection method: clinical testing. Allele origin: germline.
Comment: In summary, the available evidence is currently insufficient to determine the role of this variant in disease. Therefore, it has been classified as a Variant of Uncertain Significance. Algorithms developed to predict the effect of missense changes on protein structure and function are either unavailable or do not agree on the potential impact of this missense change (SIFT: "Not Available"; PolyPhen-2: "Probably Damaging"; Align-GVGD: "Not Available"). ClinVar contains an entry for this variant (Variation ID: 859813). This variant has not been reported in the literature in individuals affected with WRN-related conditions. This variant is not present in population databases (gnomAD no frequency). This sequence change replaces methionine, which is neutral and non-polar, with threonine, which is neutral and polar, at codon 83 of the WRN protein (p.Met83Thr).

NM_000553.6(WRN):c.248T>C (p.Met83Thr)

Gene: WRN (WRN RecQ like helicase; plus strand). Cytogenetic location: 8p12.
Variant type: single nucleotide variant.
Coding change: c.248T>C on transcript NM_000553.6 (MANE Select); coding-DNA position 248, T replaced by C.
Protein change: p.Met83Thr; replaces methionine 83 with threonine.
Molecular consequence: missense variant.
Genome position (GRCh38, 1-based): chr8:31,064,327, T>C. VCF-style: chr8-31064327-T-C. GRCh37 (hg19) VCF-style: chr8-30921843-T-C.
Other names: short protein forms M83T.
Identifiers: ClinVar variation 859813 (VCV000859813.6), dbSNP rs1812610778, ClinGen allele CA370914001.